The following is an entry in ClinVar:

ClinVar aggregate classification (germline): Uncertain significance (1 of 4 stars; one submission).

Allele frequency attached by ClinVar (database versions not stated): gnomAD 0.00003; gnomAD exomes 0.00002; ExAC 0.00002; TOPMed 0.00013.
gnomAD v4.1: 39 of 1,614,008 alleles (0.0024%); highest among the groups gnomAD compares: Middle Eastern, 0.033%; no homozygotes.

Submission:

Labcorp Genetics (formerly Invitae), Labcorp
Classification: Uncertain significance. Last evaluated: 2025-09-01. Review status: criteria provided, single submitter. Criteria: Invitae Variant Classification Sherloc (09022015). Collection method: clinical testing. Allele origin: germline.
Comment: This sequence change replaces threonine, which is neutral and polar, with alanine, which is neutral and non-polar, at codon 467 of the ZHX3 protein (p.Thr467Ala). This variant is present in population databases (rs752290331, gnomAD 0.009%). This variant has not been reported in the literature in individuals affected with ZHX3-related conditions. ClinVar contains an entry for this variant (Variation ID: 2860879). An algorithm developed to predict the effect of missense changes on protein structure and function outputs the following: PolyPhen-2: "Benign". The alanine amino acid residue is found in multiple mammalian species, which suggests that this missense change does not adversely affect protein function. In summary, the available evidence is currently insufficient to determine the role of this variant in disease. Therefore, it has been classified as a Variant of Uncertain Significance.

NM_001384317.1(ZHX3):c.1399A>G (p.Thr467Ala)

Gene: ZHX3 (zinc fingers and homeoboxes 3; minus strand). Cytogenetic location: 20q12.
Variant type: single nucleotide variant.
Coding change: c.1399A>G on transcript NM_001384317.1 (MANE Select); coding-DNA position 1399, A replaced by G.
Protein change: p.Thr467Ala; replaces threonine 467 with alanine.
Molecular consequence: missense variant.
Genome position (GRCh38, 1-based): chr20:41,203,518, T>C on the plus strand (A>G on the coding strand, the complement: ZHX3 is on the minus strand). VCF-style: chr20-41203518-T-C. GRCh37 (hg19) VCF-style: chr20-39832158-T-C.
Other names: c.1399A>G, p.Thr467Ala (NM_001384315.1, NM_001384316.1, NM_001384318.1 and 8 more transcripts); short protein forms T467A.
Identifiers: ClinVar variation 2860879 (VCV002860879.3), dbSNP rs752290331, ClinGen allele CA9859955.